The following is an entry in ClinVar:

NM_000130.5(F5):c.2077T>G (p.Tyr693Asp)

Gene: F5 (coagulation factor V; minus strand). Cytogenetic location: 1q24.2.
Variant type: single nucleotide variant.
Coding change: c.2077T>G on transcript NM_000130.5 (MANE Select); coding-DNA position 2077, T replaced by G.
Protein change: p.Tyr693Asp; replaces tyrosine 693 with aspartic acid.
Molecular consequence: missense variant.
Genome position (GRCh38, 1-based): chr1:169,543,013, A>C on the plus strand (T>G on the coding strand, the complement: F5 is on the minus strand). VCF-style: chr1-169543013-A-C. GRCh37 (hg19) VCF-style: chr1-169512251-A-C.
Other names: short protein forms Y693D.
Identifiers: ClinVar variation 2603742 (VCV002603742.2), dbSNP rs2526397760, ClinGen allele CA343122180.

ClinVar aggregate classification (germline): Uncertain significance (1 of 4 stars; one submission).

Conditions:
Inborn genetic diseases. Identifiers: MedGen C0950123, MeSH D030342.

Submission:

Ambry Genetics
Classification: Uncertain significance for Inborn genetic diseases. Last evaluated: 2023-07-03. Review status: criteria provided, single submitter. Criteria: Ambry Variant Classification Scheme 2023. Collection method: clinical testing. Allele origin: germline.
Comment: The c.2077T>G (p.Y693D) alteration is located in exon 13 (coding exon 13) of the F5 gene. This alteration results from a T to G substitution at nucleotide position 2077, causing the tyrosine (Y) at amino acid position 693 to be replaced by an aspartic acid (D). This variant was not reported in population-based cohorts in the Genome Aggregation Database (gnomAD). This amino acid position is well conserved in available vertebrate species. The in silico prediction for this alteration is inconclusive. Based on insufficient or conflicting evidence, the clinical significance of this alteration remains unclear.